The following is an entry in ClinVar:

ClinVar aggregate classification (germline): Uncertain significance (1 of 4 stars; one submission).

Conditions:
Intellectual developmental disorder, autosomal dominant 63, with macrocephaly. Also called: MENTAL RETARDATION, AUTOSOMAL DOMINANT 63, WITH MACROCEPHALY. Identifiers: MedGen C5394205, MONDO:0032939, OMIM 618825.

Submission:

Pittsburgh Clinical Genomics Laboratory, University of Pittsburgh Medical Center
Classification: Uncertain significance for Intellectual developmental disorder, autosomal dominant 63, with macrocephaly. Last evaluated: 2024-04-09. Review status: criteria provided, single submitter. Criteria: ACMG Guidelines, 2015. Collection method: clinical testing. Allele origin: germline. Inheritance: Autosomal dominant inheritance. Affected: yes.
Comment: This sequence variant is a single nucleotide substitution (C>A) at position 2344 of the coding sequence of the TRIO gene that results in a leucine to methionine amino acid change at residue 782 of the trio Rho guanine nucleotide exchange factor protein. This residue falls between the second and third Spectrin 3 repeats (UniProt). This novel variant is absent from ClinVar, the published literature, and the gnomAD population database (0 of approximately 282,00 alleles). Multiple bioinformatic tools predict that this amino acid change would be damaging, and the Leu782 residue at this position is highly conserved across the vertebrate species examined. Studies examining the functiol consequence of this variant have not been published, to our knowledge. At this time, there is insufficient evidence to determine if this variant is pathogenic or benign. Therefore, we consider this a variant of uncertain significance. ACMG Criteria: PM2, PP3

NM_007118.4(TRIO):c.2344C>A (p.Leu782Met)

Gene: TRIO (trio Rho guanine nucleotide exchange factor; plus strand). Cytogenetic location: 5p15.2.
Variant type: single nucleotide variant.
Coding change: c.2344C>A on transcript NM_007118.4 (MANE Select); coding-DNA position 2344, C replaced by A.
Protein change: p.Leu782Met; replaces leucine 782 with methionine.
Molecular consequence: missense variant. On other transcripts: non-coding transcript variant (1).
Genome position (GRCh38, 1-based): chr5:14,359,484, C>A. VCF-style: chr5-14359484-C-A. GRCh37 (hg19) VCF-style: chr5-14359593-C-A.
Other names: short protein forms L782M.
Identifiers: ClinVar variation 3376310 (VCV003376310.1).